The following is an entry in ClinVar:

NM_001113378.2(FANCI):c.84+2_84+3del

Gene: FANCI (FA complementation group I; plus strand). Cytogenetic location: 15q26.1.
Variant type: Microsatellite.
Coding change: c.84+2_84+3del on transcript NM_001113378.2 (MANE Select); the canonical splice donor site of the intron after coding-DNA position 84 through 3 bases into the intron after coding-DNA position 84, 2 bases deleted (TG; older notation c.84+2_84+3delTG).
Molecular consequence: splice donor variant. On other transcripts: intron variant (1).
Genome position (GRCh38, 1-based): chr15:89,247,733-89,247,734, TG deleted; deleting any 2 consecutive bases within chr15:89,247,731-89,247,734 gives the same sequence; the c. name uses the placement nearest the transcript's 3' end. VCF-style (leftmost placement, unchanged base first): chr15-89247730-ATG-A. GRCh37 (hg19) VCF-style: chr15-89790961-ATG-A.
Other names: c.84+2_84+3del (NM_018193.3, NM_001376911.1); c.-196+7_-196+8del (NM_001376910.1).
Identifiers: ClinVar variation 2982327 (VCV002982327.3), dbSNP rs780439710, ClinGen allele CA7722474.
Genomic context (GRCh38, chr15:89,247,730, plus strand): 5'-TAGCAGCAGAAAAAACAGCAGACAAACTGCAAGAATTTCTTCAAACCCTGAGAGAAGGTG[ATG>A]TGAGTATTAGGAAGCATGTTCTGCTAAAAGTAAATGTCAGGCATGATGACACATTCAAAG-3'

ClinVar aggregate classification (germline): Likely pathogenic (1 of 4 stars; one submission).

Conditions:
Fanconi anemia (FA). Also called: Fanconi's anemia. Identifiers: Orphanet 84, MedGen C0015625, MeSH D005199, MONDO:0019391.

Submission:

Labcorp Genetics (formerly Invitae), Labcorp
Classification: Likely pathogenic for Fanconi anemia. Last evaluated: 2023-12-01. Review status: criteria provided, single submitter. Criteria: Invitae Variant Classification Sherloc (09022015). Collection method: clinical testing. Allele origin: germline.
Comment: This sequence change affects a splice site in intron 2 of the FANCI gene. It is expected to disrupt RNA splicing. Variants that disrupt the donor or acceptor splice site typically lead to a loss of protein function (PMID: 16199547), and loss-of-function variants in FANCI are known to be pathogenic (PMID: 17452773, 17460694). This variant is present in population databases (rs780439710, gnomAD 0.0009%). Disruption of this splice site has been observed in individual(s) with kidney renal clear cell carcinoma (PMID: 26689913, 36451132). Algorithms developed to predict the effect of sequence changes on RNA splicing suggest that this variant may disrupt the consensus splice site. In summary, the currently available evidence indicates that the variant is pathogenic, but additional data are needed to prove that conclusively. Therefore, this variant has been classified as Likely Pathogenic.

Literature cited by the submitters: PubMed 16199547; PubMed 17452773; PubMed 17460694; PubMed 26689913; PubMed 36451132.